The following is an entry in ClinVar:

ClinVar aggregate classification (germline): Conflicting classifications of pathogenicity. Review status: criteria provided, conflicting classifications (1 of 4 stars). 12 submissions from 8 submitters: Uncertain significance (7); Benign (2); Likely benign (3). Last evaluated 2026-08-06.

Conditions:
TTN-related disorder. Also called: TTN-related condition; TTN-related disease; TTN-related disorders.
Cardiovascular phenotype. Identifiers: MedGen CN230736.
Dilated cardiomyopathy 1G (CMD1G). Identifiers: Orphanet 154, MedGen C1858763, MONDO:0011400, OMIM 604145.
Autosomal recessive limb-girdle muscular dystrophy type 2J (LGMDR10). Also called: Limb-girdle muscular dystrophy, type 2J; MUSCULAR DYSTROPHY, LIMB-GIRDLE, AUTOSOMAL RECESSIVE 10. Identifiers: Orphanet 140922, MedGen C1837342, MONDO:0012127, OMIM 608807.
Early-onset myopathy with fatal cardiomyopathy (CMYO5). Also called: Salih Myopathy; CONGENITAL MYOPATHY 5 WITH CARDIOMYOPATHY. Identifiers: Orphanet 289377, MedGen C2673677, MONDO:0012714, OMIM 611705. Disease mechanism: loss of function.
Myopathy, myofibrillar, 9, with early respiratory failure (MFM9). Also called: Myopathy, distal, with early respiratory failure, autosomal dominant; MYOPATHY, PROXIMAL, WITH EARLY RESPIRATORY MUSCLE INVOLVEMENT; Hereditary myopathy with early respiratory failure; EDSTROM MYOPATHY. Identifiers: Orphanet 178464, Orphanet 34521, MedGen C1863599, MONDO:0011362, OMIM 603689.
Tibial muscular dystrophy (TMD). Also called: Tibial muscular dystrophy, tardive; Udd Distal Myopathy – Tibial Muscular Dystrophy; UDD MYOPATHY. Identifiers: Orphanet 609, MedGen C1838244, MONDO:0010870, OMIM 600334.

Allele frequency attached by ClinVar (database versions not stated): gnomAD exomes 0.00002 and 0.00007; gnomAD 0.00004 and 0.00006; ExAC 0.00006; TOPMed 0.00006; 1000 Genomes Project 0.00080; 1000 Genomes Project 30x 0.00094.
gnomAD v4.1: 41 of 1,612,494 alleles (0.0025%); highest among the groups gnomAD compares: East Asian, 0.056%; no homozygotes.

Submissions (12):

PreventionGenetics, part of Exact Sciences
Classification: Uncertain significance for TTN-related condition. Last evaluated: 2026-08-06. Review status: criteria provided, single submitter. Criteria: ACMG Guidelines, 2015. Collection method: clinical testing. Allele origin: germline.
Comment: The TTN c.45212T>C variant is predicted to result in the amino acid substitution p.Ile15071Thr. To our knowledge, this variant has not been reported in the literature. This variant is reported in 0.088% of alleles in individuals of East Asian descent in gnomAD. Although we suspect that this variant may be benign, at this time, the clinical significance of this variant is uncertain due to the absence of conclusive functional and genetic evidence.

Women's Health and Genetics/Laboratory Corporation of America, LabCorp
Classification: Likely benign. Last evaluated: 2025-09-08. Review status: criteria provided, single submitter. Criteria: LabCorp Variant Classification Summary - May 2015. Collection method: clinical testing. Allele origin: germline.
Comment: Variant summary: TTN c.37508T>C (p.Ile12503Thr) results in a non-conservative amino acid change in the encoded protein sequence. Algorithms developed to predict the effect of missense changes on protein structure and function are either unavailable or do not agree on the potential impact of this missense change. The variant allele was found at a frequency of 7.3e-05 in 247588 control chromosomes, predominantly at a frequency of 0.00095 within the East Asian subpopulation in the gnomAD database. The observed variant frequency within East Asian control individuals in the gnomAD database exceeds the estimated maximal expected allele frequency for disease-causing variants in TTN. To our knowledge, no occurrence of c.37508T>C in individuals affected with TTN-related conditions and no experimental evidence demonstrating its impact on protein function have been reported. ClinVar contains an entry for this variant (Variation ID: 202641). Based on the evidence outlined above, the variant was classified as likely benign.

Revvity Omics, Revvity
Classification: Uncertain significance. Last evaluated: 2023-10-18. Review status: criteria provided, single submitter. Criteria: ACMG Guidelines, 2015. Collection method: clinical testing. Allele origin: germline.

GeneDx
Classification: Likely benign. Last evaluated: 2021-01-14. Review status: criteria provided, single submitter. Criteria: GeneDx Variant Classification Process June 2021. Collection method: clinical testing. Allele origin: germline. Affected: yes.

Ambry Genetics
Classification: Likely benign for Cardiovascular phenotype. Last evaluated: 2020-05-08. Review status: criteria provided, single submitter. Criteria: Ambry Variant Classification Scheme 2023. Collection method: clinical testing. Allele origin: germline.

Illumina Laboratory Services, Illumina
Classification: Benign for Tibial muscular dystrophy. Last evaluated: 2018-01-12. Review status: criteria provided, single submitter. Criteria: ICSL Variant Classification Criteria 13 December 2019. Collection method: clinical testing. Allele origin: germline.
Comment: This variant was observed in the ICSL laboratory as part of a predisposition screen in an ostensibly healthy population. It had not been previously curated by ICSL or reported in the Human Gene Mutation Database (HGMD: prior to June 1st, 2018), and was therefore a candidate for classification through an automated scoring system. Utilizing variant allele frequency, disease prevalence and penetrance estimates, and inheritance mode, an automated score was calculated to assess if this variant is too frequent to cause the disease. Based on the score and internal cut-off values, a variant classified as benign is not then subjected to further curation. The score for this variant resulted in a classification of benign for this disease.

Illumina Laboratory Services, Illumina
Classification: Uncertain significance for Autosomal recessive limb-girdle muscular dystrophy type 2J. Last evaluated: 2018-01-12. Review status: criteria provided, single submitter. Criteria: ICSL Variant Classification Criteria 13 December 2019. Collection method: clinical testing. Allele origin: germline.

Illumina Laboratory Services, Illumina
Classification: Benign for Myopathy, myofibrillar, 9, with early respiratory failure. Last evaluated: 2018-01-12. Review status: criteria provided, single submitter. Criteria: ICSL Variant Classification Criteria 13 December 2019. Collection method: clinical testing. Allele origin: germline.
Comment: the same text as in the submission from Illumina Laboratory Services, Illumina above.

Illumina Laboratory Services, Illumina
Classification: Uncertain significance for Dilated cardiomyopathy 1G. Last evaluated: 2018-01-12. Review status: criteria provided, single submitter. Criteria: ICSL Variant Classification Criteria 13 December 2019. Collection method: clinical testing. Allele origin: germline.

Illumina Laboratory Services, Illumina
Classification: Uncertain significance for Early-onset myopathy with fatal cardiomyopathy. Last evaluated: 2018-01-12. Review status: criteria provided, single submitter. Criteria: ICSL Variant Classification Criteria 13 December 2019. Collection method: clinical testing. Allele origin: germline.

Labcorp Genetics (formerly Invitae), Labcorp
Classification: Uncertain significance for Dilated cardiomyopathy 1G; Autosomal recessive limb-girdle muscular dystrophy type 2J. Last evaluated: 2016-04-29. Review status: criteria provided, single submitter. Criteria: Invitae Variant Classification Sherloc (09022015). Collection method: clinical testing. Allele origin: germline.

Eurofins Ntd Llc (ga)
Classification: Uncertain significance. Last evaluated: 2015-08-04. Review status: criteria provided, single submitter. Criteria: EGL Classification Definitions 2015. Collection method: clinical testing. Allele origin: germline. Observed: 1 variant allele, 1 heterozygote.

NM_001267550.2(TTN):c.45212T>C (p.Ile15071Thr)

Genes: TTN (titin; minus strand), LOC126806427 (BRD4-independent group 4 enhancer GRCh37_chr2:179485777-179486976; plus strand). Cytogenetic location: 2q31.2.
Variant type: single nucleotide variant.
Coding change: c.45212T>C on transcript NM_001267550.2 (MANE Select); coding-DNA position 45212, T replaced by C.
Protein change: p.Ile15071Thr; replaces isoleucine 15071 with threonine.
Molecular consequence: missense variant.
Genome position (GRCh38, 1-based): chr2:178,621,612, A>G on the plus strand (T>C on the coding strand, the complement: TTN is on the minus strand). VCF-style: chr2-178621612-A-G. GRCh37 (hg19) VCF-style: chr2-179486339-A-G.
Other names: p.I13430T:ATT>ACT; c.40289T>C, p.Ile13430Thr (NM_001256850.1); c.18017T>C, p.Ile6006Thr (NM_003319.4); c.37508T>C, p.Ile12503Thr (NM_133378.4); c.18392T>C, p.Ile6131Thr (NM_133432.3); c.18593T>C, p.Ile6198Thr (NM_133437.4); short protein forms I13430T, I15071T, I12503T, I6006T, I6131T, I6198T.
Identifiers: ClinVar variation 202641 (VCV000202641.19), dbSNP rs184078045, ClinGen allele CA309841.